The following is an entry in ClinVar:

NM_000091.5(COL4A3):c.2617A>T (p.Arg873Ter)

Genes: COL4A3 (collagen type IV alpha 3 chain; plus strand), MFF-DT (MFF divergent transcript; minus strand). Cytogenetic location: 2q36.3.
Variant type: single nucleotide variant.
Coding change: c.2617A>T on transcript NM_000091.5 (MANE Select); coding-DNA position 2617, A replaced by T.
Protein change: p.Arg873Ter; replaces arginine 873 with a stop codon.
Molecular consequence: nonsense.
Genome position (GRCh38, 1-based): chr2:227,282,493, A>T. VCF-style: chr2-227282493-A-T. GRCh37 (hg19) VCF-style: chr2-228147209-A-T.
Other names: short protein forms R873*.
Identifiers: ClinVar variation 984363 (VCV000984363.3), dbSNP rs2072047738, ClinGen allele CA350850660.

ClinVar aggregate classification (germline): Likely pathogenic (1 of 4 stars; one submission).

Conditions:
Autosomal recessive Alport syndrome (ATS2). Also called: ALPORT SYNDROME 2, AUTOSOMAL RECESSIVE; Alport syndrome type 2; COL4A4 Alport Syndrome and Thin Basement Membrane Nephropathy; COL4A3-Related Nephropathy. Identifiers: Orphanet 63, Orphanet 88919, MedGen C4746745, MONDO:0008762, OMIM 203780.

Submission:

Myriad Genetics, Inc.
Classification: Likely pathogenic for Autosomal recessive Alport syndrome. Last evaluated: 2019-12-26. Review status: criteria provided, single submitter. Criteria: Myriad Women's Health Autosomal Recessive and X-Linked Classification Criteria (2019). Collection method: clinical testing. Allele origin: unknown.
Comment: NM_000091.4(COL4A3):c.2617A>T(R873*) is expected to be pathogenic in the context of COL4A3-related Alport syndrome. This variant is predicted to lead to an abnormal or absent protein product due to the creation of a premature termination codon in COL4A3, a gene where loss-of-function variants are known to be pathogenic. Please note: this variant was assessed in the context of healthy population screening.